The following is an entry in ClinVar:

NM_000044.6(AR):c.2360G>C (p.Arg787Pro)

Gene: AR (androgen receptor; plus strand). Cytogenetic location: Xq12.
Variant type: single nucleotide variant.
Coding change: c.2360G>C on transcript NM_000044.6 (MANE Select); coding-DNA position 2360, G replaced by C.
Protein change: p.Arg787Pro; replaces arginine 787 with proline.
Molecular consequence: missense variant.
Genome position (GRCh38, 1-based): chrX:67,721,874, G>C. VCF-style: chrX-67721874-G-C. GRCh37 (hg19) VCF-style: chrX-66941716-G-C.
Other names: c.764G>C, p.Arg255Pro (NM_001011645.3); short protein forms R787P, R255P.
Identifiers: ClinVar variation 1389477 (VCV001389477.6), dbSNP rs764684648, ClinGen allele CA413426585.
Genomic context (GRCh38, chrX:67,721,874, plus strand): 5'-CTGTGTATCTCCTTCCCAGGTACCGCATGCACAAGTCCCGGATGTACAGCCAGTGTGTCC[G>C]AATGAGGCACCTCTCTCAAGAGTTTGGATGGCTCCAAATCACCCCCCAGGAATTCCTGTG-3'
Protein context (NP_000035.2, residues 777-797): HKSRMYSQCV[Arg787Pro]MRHLSQEFGW

ClinVar aggregate classification (germline): Uncertain significance (1 of 4 stars; one submission).

Conditions:
Kennedy disease (SMAX1). Also called: SPINAL AND BULBAR MUSCULAR ATROPHY, X-LINKED 1; KENNEDY SPINAL AND BULBAR MUSCULAR ATROPHY; Spinal and Bulbar Muscular Atrophy. Identifiers: Orphanet 481, MedGen C1839259, MONDO:0010735, OMIM 313200.
Androgen resistance syndrome (AIS). Also called: Androgen insensitivity, complete; ANDROGEN RECEPTOR DEFICIENCY; DIHYDROTESTOSTERONE RECEPTOR DEFICIENCY; Androgen insensitivity syndrome due to coactivator deficiency; Androgen insensitivity; TESTICULAR FEMINIZATION SYNDROME. Identifiers: Orphanet 754, Orphanet 99429, MedGen C0039585, MONDO:0019154, OMIM 300068. Disease mechanism: loss of function.

Submission:

Labcorp Genetics (formerly Invitae), Labcorp
Classification: Uncertain significance for Kennedy disease; Androgen resistance syndrome. Last evaluated: 2021-10-26. Review status: criteria provided, single submitter. Criteria: Invitae Variant Classification Sherloc (09022015). Collection method: clinical testing. Allele origin: germline.
Comment: In summary, the available evidence is currently insufficient to determine the role of this variant in disease. Therefore, it has been classified as a Variant of Uncertain Significance. Algorithms developed to predict the effect of missense changes on protein structure and function are either unavailable or do not agree on the potential impact of this missense change (SIFT: "Deleterious"; PolyPhen-2: "Probably Damaging"; Align-GVGD: "Class C0"). This variant has not been reported in the literature in individuals affected with AR-related conditions. This variant is not present in population databases (ExAC no frequency). This sequence change replaces arginine with proline at codon 787 of the AR protein (p.Arg787Pro). The arginine residue is highly conserved and there is a moderate physicochemical difference between arginine and proline.